The following is an entry in ClinVar:

NM_001365480.1(CCDC88A):c.2708C>T (p.Thr903Met)

Gene: CCDC88A (coiled-coil domain containing 88A; minus strand). Cytogenetic location: 2p16.1.
Variant type: single nucleotide variant.
Coding change: c.2708C>T on transcript NM_001365480.1 (MANE Select); coding-DNA position 2708, C replaced by T.
Protein change: p.Thr903Met; replaces threonine 903 with methionine.
Molecular consequence: missense variant.
Genome position (GRCh38, 1-based): chr2:55,334,113, G>A on the plus strand (C>T on the coding strand, the complement: CCDC88A is on the minus strand). VCF-style: chr2-55334113-G-A. GRCh37 (hg19) VCF-style: chr2-55561249-G-A.
Other names: c.2708C>T, p.Thr903Met (NM_001135597.2, NM_001254943.2, NM_018084.5); short protein forms T903M.
Identifiers: ClinVar variation 1364797 (VCV001364797.6), dbSNP rs370779418, ClinGen allele CA1665951.

ClinVar aggregate classification (germline): Uncertain significance. Review status: criteria provided, multiple submitters, no conflicts (2 of 4 stars). 2 submissions from 2 submitters: Uncertain significance (2). Last evaluated 2022-07-17.

Allele frequency attached by ClinVar (database versions not stated): ExAC 0.00001; gnomAD exomes 0.00001; TOPMed 0.00001; ESP Exome Variant Server 0.00008.
gnomAD v4.1: 12 of 1,310,658 alleles (0.00092%); highest among the groups gnomAD compares: African/African-American, 0.0015%; no homozygotes.

Submissions (2):

Labcorp Genetics (formerly Invitae), Labcorp
Classification: Uncertain significance. Last evaluated: 2022-07-17. Review status: criteria provided, single submitter. Criteria: Invitae Variant Classification Sherloc (09022015). Collection method: clinical testing. Allele origin: germline.
Comment: This sequence change replaces threonine, which is neutral and polar, with methionine, which is neutral and non-polar, at codon 903 of the CCDC88A protein (p.Thr903Met). This variant is present in population databases (rs370779418, gnomAD 0.006%). This variant has not been reported in the literature in individuals affected with CCDC88A-related conditions. ClinVar contains an entry for this variant (Variation ID: 1364797). Algorithms developed to predict the effect of missense changes on protein structure and function are either unavailable or do not agree on the potential impact of this missense change (SIFT: "Tolerated"; PolyPhen-2: "Probably Damaging"; Align-GVGD: "Class C0"). In summary, the available evidence is currently insufficient to determine the role of this variant in disease. Therefore, it has been classified as a Variant of Uncertain Significance.

Breakthrough Genomics
Classification: Uncertain significance. Review status: criteria provided, single submitter. Criteria: ACMG Guidelines, 2015. Collection method: not provided. Allele origin: germline. Inheritance: Autosomal recessive inheritance. Affected: yes.